The following is an entry in ClinVar:

NM_001166108.2(PALLD):c.1048A>G (p.Ser350Gly)

Gene: PALLD (palladin, cytoskeletal associated protein; plus strand). Cytogenetic location: 4q32.3.
Variant type: single nucleotide variant.
Coding change: c.1048A>G on transcript NM_001166108.2 (MANE Select); coding-DNA position 1048, A replaced by G.
Protein change: p.Ser350Gly; replaces serine 350 with glycine.
Molecular consequence: missense variant. On other transcripts: 5 prime UTR variant (1).
Genome position (GRCh38, 1-based): chr4:168,668,329, A>G. VCF-style: chr4-168668329-A-G. GRCh37 (hg19) VCF-style: chr4-169589480-A-G.
Other names: c.-99A>G (NM_001166109.2); c.1048A>G, p.Ser350Gly (NM_016081.4); short protein forms S350G.
Identifiers: ClinVar variation 1775979 (VCV001775979.3), dbSNP rs748987033, ClinGen allele CA3135496.

ClinVar aggregate classification (germline): Uncertain significance (1 of 4 stars; one submission).

Allele frequency attached by ClinVar (database versions not stated): gnomAD 0.00001; gnomAD exomes 0.00001; ExAC 0.00002; 1000 Genomes Project 30x 0.00031.
gnomAD v4.1: 17 of 1,612,642 alleles (0.0011%); highest among the groups gnomAD compares: South Asian, 0.018%; no homozygotes.

Submission:

Ambry Genetics
Classification: Uncertain significance. Last evaluated: 2024-08-20. Review status: criteria provided, single submitter. Criteria: Ambry Variant Classification Scheme 2023. Collection method: clinical testing. Allele origin: germline.
Comment: The p.S350G variant (also known as c.1048A>G), located in coding exon 2 of the PALLD gene, results from an A to G substitution at nucleotide position 1048. The serine at codon 350 is replaced by glycine, an amino acid with similar properties. This amino acid position is conserved. In addition, this alteration is predicted to be tolerated by in silico analysis. Since supporting evidence is limited at this time, the clinical significance of this alteration remains unclear.